The following is an entry in ClinVar:

ClinVar aggregate classification (germline): Pathogenic/Likely pathogenic. Review status: criteria provided, multiple submitters, no conflicts (2 of 4 stars). 5 submissions from 5 submitters: Pathogenic (3); Likely pathogenic (1). 1 of the submissions does not count toward it. Last evaluated 2025-02-02.

Conditions:
Hereditary insensitivity to pain with anhidrosis (CIPA). Also called: HSAN Type IV; hereditary sensory and autonomic neuropathy type 4; NTRK1 Congenital Insensitivity to Pain with Anhidrosis; NEUROPATHY, CONGENITAL SENSORY, WITH ANHIDROSIS; INSENSITIVITY TO PAIN, CONGENITAL, WITH ANHIDROSIS; FAMILIAL DYSAUTONOMIA, TYPE II. Identifiers: Orphanet 642, MedGen C0020074, MONDO:0009746, OMIM 256800.

Allele frequency attached by ClinVar (database versions not stated): gnomAD exomes below 0.00001 and 0.00001; ExAC 0.00002.
gnomAD v4.1: 5 of 1,612,850 alleles (0.00031%); highest among the groups gnomAD compares: East Asian, 0.0045%; no homozygotes.

Submissions (5):

Labcorp Genetics (formerly Invitae), Labcorp
Classification: Pathogenic for Hereditary insensitivity to pain with anhidrosis. Last evaluated: 2025-02-02. Review status: criteria provided, single submitter. Criteria: Invitae Variant Classification Sherloc (09022015). Collection method: clinical testing. Allele origin: germline.
Comment: This sequence change replaces glycine, which is neutral and non-polar, with serine, which is neutral and polar, at codon 718 of the NTRK1 protein (p.Gly718Ser). This variant is present in population databases (rs763122825, gnomAD 0.006%). This missense change has been observed in individual(s) with congenital insensitivity to pain with anhidrosis (PMID: 18162686, 29770739). In at least one individual the data is consistent with being in trans (on the opposite chromosome) from a pathogenic variant. It has also been observed to segregate with disease in related individuals. ClinVar contains an entry for this variant (Variation ID: 810634). Invitae Evidence Modeling of protein sequence and biophysical properties (such as structural, functional, and spatial information, amino acid conservation, physicochemical variation, residue mobility, and thermodynamic stability) has been performed for this missense variant. However, the output from this modeling did not meet the statistical confidence thresholds required to predict the impact of this variant on NTRK1 protein function. For these reasons, this variant has been classified as Pathogenic.

Natera, Inc.
Classification: Pathogenic for Hereditary insensitivity to pain with anhidrosis. Last evaluated: 2025-01-22. Review status: criteria provided, single submitter. Criteria: Natera Variant Classification Schema (03/2026). Collection method: clinical testing. Allele origin: germline.
Comment: The c.2152G>A variant in NTRK1 is a missense variant predicted to cause substitution of glycine to serine at amino acid 718. This variant is rare in the general population with a frequency below the threshold expected for the associated phenotype(s). This variant has been observed in one or more individuals affected with the associated recessive disease, as either homozygous or compound heterozygous with a second variant (PMID: 31841741, 29770739, 37248554). Given the available evidence, this variant is classified as Pathogenic.

Women's Health and Genetics/Laboratory Corporation of America, LabCorp
Classification: Pathogenic for Hereditary insensitivity to pain with anhidrosis. Last evaluated: 2023-10-25. Review status: criteria provided, single submitter. Criteria: LabCorp Variant Classification Summary - May 2015. Collection method: clinical testing. Allele origin: germline.
Comment: Variant summary: NTRK1 c.2152G>A (p.Gly718Ser), also known as c.2170G>A (p.Gly724Ser) in NM_002529, results in a non-conservative amino acid change to a highly conserved residue (HGMD) located in the Protein kinase domain (IPR000719) of the encoded protein sequence. Five of five in-silico tools predict a damaging effect of the variant on protein function. The variant allele was found at a frequency of 8e-06 in 251156 control chromosomes (gnomAD). c.2152G>A has been reported in the literature in multiple individuals affected with Hereditary Insensitivity To Pain With Anhidrosis (Shalimar_2007, Geng_2018, Echaniz-Laguna_2021, Khaled_2023), and at least one individual was reported as compound heterozygous with a pathogenic variant. These data indicate that the variant is very likely to be associated with disease. The following publications have been ascertained in the context of this evaluation (PMID: 18162686, 29770739, 34405299, 37248554). Two submitters have cited clinical-significance assessments for this variant to ClinVar after 2014. Both submitters classified the variant as pathogenic/likely pathogenic. Based on the evidence outlined above, the variant was classified as pathogenic.

Juno Genomics, Hangzhou Juno Genomics, Inc
Classification: Likely pathogenic for Hereditary insensitivity to pain with anhidrosis. Review status: criteria provided, single submitter. Criteria: ACMG Guidelines, 2015. Collection method: clinical testing. Allele origin: germline. Affected: yes.
Comment: Absent from controls (or at extremely low frequency if recessive) in Genome Aggregation Database, Exome Sequencing Project, 1000 Genomes Project, or Exome Aggregation Consortium.;Multiple lines of computational evidence support a deleterious effect on the gene or gene product (conservation, evolutionary, splicing impact, etc).;For recessive disorders, detected in trans with a pathogenic variant.;Co-segregation with disease in multiple affected family members in a gene definitively known to cause the disease.;Patient's phenotype or family history is highly specific for a disease with a single genetic etiology.

Section for Clinical Neurogenetics, University of Tübingen
Classification: Likely pathogenic for Hereditary insensitivity to pain with anhidrosis. Last evaluated: 2019-08-01. Review status: no assertion criteria provided. Collection method: research. Allele origin: germline. Affected: yes. Not counted in ClinVar's aggregate classification.

Literature cited by the submitters: PubMed 18162686 (cited by Labcorp Genetics (formerly Invitae), Labcorp and Women's Health and Genetics/Laboratory Corporation of America, LabCorp); PubMed 29770739 (cited by 3 submitters); PubMed 31841741 (cited by Natera, Inc.); PubMed 37248554 (cited by Natera, Inc. and Women's Health and Genetics/Laboratory Corporation of America, LabCorp); PubMed 34405299 (cited by Women's Health and Genetics/Laboratory Corporation of America, LabCorp); PubMed 32214227 (cited by Section for Clinical Neurogenetics, University of Tübingen).

NM_002529.4(NTRK1):c.2170G>A (p.Gly724Ser)

Gene: NTRK1 (neurotrophic receptor tyrosine kinase 1; plus strand). Cytogenetic location: 1q23.1.
Variant type: single nucleotide variant.
Coding change: c.2170G>A on transcript NM_002529.4 (MANE Select); coding-DNA position 2170, G replaced by A.
Protein change: p.Gly724Ser; replaces glycine 724 with serine.
Molecular consequence: missense variant.
Genome position (GRCh38, 1-based): chr1:156,880,122, G>A. VCF-style: chr1-156880122-G-A. GRCh37 (hg19) VCF-style: chr1-156849914-G-A.
Other names: c.2062G>A, p.Gly688Ser (NM_001007792.1); c.2152G>A, p.Gly718Ser (NM_001012331.2); c.2152G>A (NM_001012331.1); short protein forms G688S, G718S, G724S.
Identifiers: ClinVar variation 810634 (VCV000810634.9), dbSNP rs763122825, ClinGen allele CA1169583.